The following is an entry in ClinVar:

ClinVar aggregate classification (germline): Uncertain significance (1 of 4 stars; one submission).

Conditions:
Neuropathy, hereditary sensory and autonomic, type 2A (HSAN2A). Also called: MORVAN DISEASE; NEUROPATHY, CONGENITAL SENSORY; NEUROPATHY, HEREDITARY SENSORY RADICULAR, AUTOSOMAL RECESSIVE; NEUROPATHY, HEREDITARY SENSORY, TYPE IIA; NEUROPATHY, PROGRESSIVE SENSORY, OF CHILDREN; ACROOSTEOLYSIS, GIACCAI TYPE. Identifiers: Orphanet 970, MedGen C2752089, MONDO:0024309, OMIM 201300.
Generalized epilepsy with febrile seizures plus, type 7 (GEFSP7). Also called: GEFS+, TYPE 7. Identifiers: Orphanet 36387, MedGen C2751778, MONDO:0013470, OMIM 613863.

Allele frequency attached by ClinVar (database versions not stated): ExAC 0.00001; ESP Exome Variant Server 0.00008.

Submission:

Labcorp Genetics (formerly Invitae), Labcorp
Classification: Uncertain significance for Neuropathy, hereditary sensory and autonomic, type 2A; Generalized epilepsy with febrile seizures plus, type 7. Last evaluated: 2023-04-12. Review status: criteria provided, single submitter. Criteria: Invitae Variant Classification Sherloc (09022015). Collection method: clinical testing. Allele origin: germline.
Comment: This variant is present in population databases (rs201111027, gnomAD 0.0009%). This sequence change replaces threonine, which is neutral and polar, with asparagine, which is neutral and polar, at codon 87 of the SCN9A protein (p.Thr87Asn). This variant has not been reported in the literature in individuals affected with SCN9A-related conditions. In summary, the available evidence is currently insufficient to determine the role of this variant in disease. Therefore, it has been classified as a Variant of Uncertain Significance. An algorithm developed to predict the effect of missense changes on protein structure and function (PolyPhen-2) suggests that this variant is likely to be disruptive.

NM_001365536.1(SCN9A):c.260C>A (p.Thr87Asn)

Gene: SCN9A (sodium voltage-gated channel alpha subunit 9; minus strand). Cytogenetic location: 2q24.3.
Variant type: single nucleotide variant.
Coding change: c.260C>A on transcript NM_001365536.1 (MANE Select); coding-DNA position 260, C replaced by A.
Protein change: p.Thr87Asn; replaces threonine 87 with asparagine.
Molecular consequence: missense variant.
Genome position (GRCh38, 1-based): chr2:166,307,073, G>T on the plus strand (C>A on the coding strand, the complement: SCN9A is on the minus strand). VCF-style: chr2-166307073-G-T. GRCh37 (hg19) VCF-style: chr2-167163583-G-T.
Other names: c.260C>A, p.Thr87Asn (NM_002977.4); short protein forms T87N.
Identifiers: ClinVar variation 2927322 (VCV002927322.3), dbSNP rs201111027, ClinGen allele CA1944840.
Genomic context (GRCh38, chr2:166,307,073, plus strand): 5'-TATAAAGCAGGTGTGGCATTGAAACGGAAGATTGTTTTCCCTTTGTTCAATACTATGAAA[G>T]TCTGCAGGAGGAAAAAGAAAGGATGAAATTGAGAATCCAAAATATCAATTTTTCACATCA-3'
Protein context (NP_001352465.1, residues 77-97): DLDPYYADKK[Thr87Asn]FIVLNKGKTI